The following is an entry in ClinVar:

ClinVar aggregate classification (germline): Benign/Likely benign. Review status: criteria provided, multiple submitters, no conflicts (2 of 4 stars). 3 submissions from 3 submitters: Benign (2); Likely benign (1). Last evaluated 2025-03-17.

Conditions:
Spinocerebellar ataxia, autosomal recessive, with axonal neuropathy 1 (SCAN1). Identifiers: Orphanet 94124, MedGen C4759870, MONDO:0011801, OMIM 607250.

Allele frequency attached by ClinVar (database versions not stated): ExAC 0.00076; gnomAD exomes 0.00089 and 0.00023; 1000 Genomes Project 0.00140; 1000 Genomes Project 30x 0.00141; gnomAD 0.00036 and 0.00043; TOPMed 0.00057.
gnomAD v4.1: 397 of 1,597,860 alleles (0.025%); highest among the groups gnomAD compares: East Asian, 0.84%; 1 homozygote.

Submissions (3):

Athena Diagnostics
Classification: Benign. Last evaluated: 2025-03-17. Review status: criteria provided, single submitter. Criteria: Athena Diagnostics Criteria. Collection method: clinical testing. Allele origin: unknown.
Comment: The frequency of this variant in the general population is higher than would generally be expected for pathogenic variants in this gene.

Labcorp Genetics (formerly Invitae), Labcorp
Classification: Benign. Last evaluated: 2018-10-23. Review status: criteria provided, single submitter. Criteria: Invitae Variant Classification Sherloc (09022015). Collection method: clinical testing. Allele origin: germline.

Illumina Laboratory Services, Illumina
Classification: Likely benign for Spinocerebellar ataxia, autosomal recessive, with axonal neuropathy 1. Last evaluated: 2018-01-12. Review status: criteria provided, single submitter. Criteria: ICSL Variant Classification Criteria 13 December 2019. Collection method: clinical testing. Allele origin: germline.
Comment: This variant was observed in the ICSL laboratory as part of a predisposition screen in an ostensibly healthy population. It had not been previously curated by ICSL or reported in the Human Gene Mutation Database (HGMD: prior to June 1st, 2018), and was therefore a candidate for classification through an automated scoring system. Utilizing variant allele frequency, disease prevalence and penetrance estimates, and inheritance mode, an automated score was calculated to assess if this variant is too frequent to cause the disease. Based on the score and internal cut-off values, a variant classified as likely benign is not then subjected to further curation. The score for this variant resulted in a classification of likely benign for this disease.

NM_018319.4(TDP1):c.1366+10G>A

Gene: TDP1 (tyrosyl-DNA phosphodiesterase 1; plus strand). Cytogenetic location: 14q32.11.
Variant type: single nucleotide variant.
Coding change: c.1366+10G>A on transcript NM_018319.4 (MANE Select); 10 bases into the intron after coding-DNA position 1366, G replaced by A.
Molecular consequence: intron variant.
Genome position (GRCh38, 1-based): chr14:89,989,775, G>A. VCF-style: chr14-89989775-G-A. GRCh37 (hg19) VCF-style: chr14-90456119-G-A.
Other names: c.1366+10G>A (NM_001330205.2, NM_001008744.2).
Identifiers: ClinVar variation 314838 (VCV000314838.10), dbSNP rs200295380, ClinGen allele CA7303926.